The following is an entry in ClinVar:

ClinVar aggregate classification (germline): Uncertain significance (1 of 4 stars; one submission).

Allele frequency attached by ClinVar (database versions not stated): ExAC 0.00001; gnomAD 0.00001; gnomAD exomes 0.00001; TOPMed 0.00001; ESP Exome Variant Server 0.00008.

Submission:

Labcorp Genetics (formerly Invitae), Labcorp
Classification: Uncertain significance. Last evaluated: 2022-04-18. Review status: criteria provided, single submitter. Criteria: Invitae Variant Classification Sherloc (09022015). Collection method: clinical testing. Allele origin: germline.
Comment: In summary, the available evidence is currently insufficient to determine the role of this variant in disease. Therefore, it has been classified as a Variant of Uncertain Significance. Algorithms developed to predict the effect of missense changes on protein structure and function (SIFT, PolyPhen-2, Align-GVGD) all suggest that this variant is likely to be tolerated. This variant has not been reported in the literature in individuals affected with NRIP1-related conditions. This variant is present in population databases (rs377679599, gnomAD 0.009%). This sequence change replaces methionine, which is neutral and non-polar, with valine, which is neutral and non-polar, at codon 1129 of the NRIP1 protein (p.Met1129Val).

NM_003489.4(NRIP1):c.3385A>G (p.Met1129Val)

Gene: NRIP1 (nuclear receptor interacting protein 1; minus strand). Cytogenetic location: 21q11.2.
Variant type: single nucleotide variant.
Coding change: c.3385A>G on transcript NM_003489.4 (MANE Select); coding-DNA position 3385, A replaced by G.
Protein change: p.Met1129Val; replaces methionine 1129 with valine.
Molecular consequence: missense variant.
Genome position (GRCh38, 1-based): chr21:14,964,808, T>C on the plus strand (A>G on the coding strand, the complement: NRIP1 is on the minus strand). VCF-style: chr21-14964808-T-C. GRCh37 (hg19) VCF-style: chr21-16337129-T-C.
Other names: short protein forms M1129V.
Identifiers: ClinVar variation 1921319 (VCV001921319.5), dbSNP rs377679599, ClinGen allele CA9980967.
Genomic context (GRCh38, chr21:14,964,808, plus strand): 5'-TTCCCAGAAGTCCATAAACTTCTCCATTTGCGCTGTGTGGGCGAGAAGCATTATTTCCCA[T>C]ATGGCTATTGTAAGGGCTTCTTAAATTAAAGAAAGAAGCTTTCGTTTCTGCAGTAGGAAG-3'
Protein context (NP_003480.2, residues 1119-1139): FNLRSPYNSH[Met1129Val]GNNASRPHSA